The following is an entry in ClinVar:

ClinVar aggregate classification (germline): Uncertain significance (1 of 4 stars; one submission).

Submission:

Labcorp Genetics (formerly Invitae), Labcorp
Classification: Uncertain significance. Last evaluated: 2025-12-09. Review status: criteria provided, single submitter. Criteria: Invitae Variant Classification Sherloc (09022015). Collection method: clinical testing. Allele origin: germline.
Comment: This sequence change replaces tyrosine, which is neutral and polar, with cysteine, which is neutral and slightly polar, at codon 1777 of the FAT4 protein (p.Tyr1777Cys). This variant is not present in population databases (gnomAD no frequency). This variant has not been reported in the literature in individuals affected with FAT4-related conditions. Invitae Evidence Modeling of protein sequence and biophysical properties (such as structural, functional, and spatial information, amino acid conservation, physicochemical variation, residue mobility, and thermodynamic stability) indicates that this missense variant is not expected to disrupt FAT4 protein function with a negative predictive value of 80%. In summary, the available evidence is currently insufficient to determine the role of this variant in disease. Therefore, it has been classified as a Variant of Uncertain Significance.

NM_001291303.3(FAT4):c.5330A>G (p.Tyr1777Cys)

Gene: FAT4 (FAT atypical cadherin 4; plus strand). Cytogenetic location: 4q28.1.
Variant type: single nucleotide variant.
Coding change: c.5330A>G on transcript NM_001291303.3 (MANE Select); coding-DNA position 5330, A replaced by G.
Protein change: p.Tyr1777Cys; replaces tyrosine 1777 with cysteine.
Molecular consequence: missense variant.
Genome position (GRCh38, 1-based): chr4:125,406,902, A>G. VCF-style: chr4-125406902-A-G. GRCh37 (hg19) VCF-style: chr4-126328057-A-G.
Other names: c.5330A>G, p.Tyr1777Cys (NM_001291285.3, NM_001438396.1, NM_001438397.1 and 1 more transcripts); c.101A>G, p.Tyr34Cys (NM_001437895.1); short protein forms Y1777C, Y34C.
Identifiers: ClinVar variation 4691751 (VCV004691751.1).